The following is an entry in ClinVar:

ClinVar aggregate classification (germline): Uncertain significance (1 of 4 stars; one submission).

Submission:

GeneDx
Classification: Uncertain significance. Last evaluated: 2026-03-26. Review status: criteria provided, single submitter. Criteria: GeneDx Variant Classification Process June 2021. Collection method: clinical testing. Allele origin: germline.
Comment: Not observed at significant frequency in large population cohorts (gnomAD); In silico analysis suggests that this missense variant does not alter protein structure/function; Has not been previously published as pathogenic or benign to our knowledge

NM_014633.5(CTR9):c.2962A>G (p.Lys988Glu)

Gene: CTR9 (CTR9 component of Paf1/RNA polymerase II complex; plus strand). Cytogenetic location: 11p15.4.
Variant type: single nucleotide variant.
Coding change: c.2962A>G on transcript NM_014633.5 (MANE Select); coding-DNA position 2962, A replaced by G.
Protein change: p.Lys988Glu; replaces lysine 988 with glutamic acid.
Molecular consequence: missense variant.
Genome position (GRCh38, 1-based): chr11:10,775,283, A>G. VCF-style: chr11-10775283-A-G. GRCh37 (hg19) VCF-style: chr11-10796830-A-G.
Other names: c.2890A>G, p.Lys964Glu (NM_001346279.2); short protein forms K964E, K988E.
Identifiers: ClinVar variation 5017068 (VCV005017068.1).